The following is an entry in ClinVar:

ClinVar aggregate classification (germline): Pathogenic (1 of 4 stars; one submission).

Conditions:
Eichsfeld type congenital muscular dystrophy (CMYO3). Also called: SELENON-related myopathy; Congenital myopathy 3 with rigid spine; MYOPATHY, SEPN1-RELATED; Rigid spine muscular dystrophy 1. Identifiers: MedGen C0410180, MONDO:0100100, OMIM 602771.

Allele frequency attached by ClinVar (database versions not stated): ExAC 0.00001.
gnomAD v4.1: 7 of 1,601,844 alleles (0.00044%); highest among the groups gnomAD compares: Non-Finnish European, 0.00034%; no homozygotes.

Submission:

Institute of Human Genetics, University of Leipzig Medical Center
Classification: Pathogenic for Eichsfeld type congenital muscular dystrophy. Last evaluated: 2024-02-26. Review status: criteria provided, single submitter. Criteria: ACMG Guidelines, 2015. Collection method: clinical testing. Allele origin: maternal. Inheritance: Autosomal recessive inheritance. Affected: yes.
Comment: Criteria applied: PVS1(RNA),PM3,PM2. splicing was shown by RNA analysis: NM_020451.3: c.1282-13G>A, r.1281_1282ins1282-11_1282-1, p.(Val428Cysfs*7; Identified as compund heterozygous with NM_020451.2:c.713dup

NM_206926.2(SELENON):c.1180-13G>A

Gene: SELENON (selenoprotein N; plus strand). Cytogenetic location: 1p36.11.
Variant type: single nucleotide variant.
Coding change: c.1180-13G>A on transcript NM_206926.2 (MANE Select); 13 bases into the intron before coding-DNA position 1180, G replaced by A.
Molecular consequence: intron variant.
Genome position (GRCh38, 1-based): chr1:25,812,674, G>A. VCF-style: chr1-25812674-G-A. GRCh37 (hg19) VCF-style: chr1-26139165-G-A.
Other names: c.1282-13G>A (NM_020451.3).
Identifiers: ClinVar variation 3024392 (VCV003024392.3), dbSNP rs770106849, ClinGen allele CA696819.